The following is an entry in ClinVar:

ClinVar aggregate classification (germline): Uncertain significance. Review status: criteria provided, multiple submitters, no conflicts (2 of 4 stars). 2 submissions from 2 submitters: Uncertain significance (2). Last evaluated 2025-08-21.

Conditions:
Postaxial polydactyly-anterior pituitary anomalies-facial dysmorphism syndrome. Also called: Culler-Jones syndrome. Identifiers: Orphanet 420584, MedGen C4014479, MONDO:0014369, OMIM 615849.
Holoprosencephaly 9 (HPE9). Also called: PITUITARY ANOMALIES WITH HOLOPROSENCEPHALY-LIKE FEATURES; HOLOPROSENCEPHALY WITH MICROPHTHALMIA AND FIRST BRANCHIAL ARCH ANOMALIES. Identifiers: Orphanet 2162, MedGen C1835819, MONDO:0012563, OMIM 610829.
Inborn genetic diseases. Identifiers: MedGen C0950123, MeSH D030342.

Allele frequency attached by ClinVar (database versions not stated): 1000 Genomes Project 0.00060; gnomAD exomes 0.00001; ExAC 0.00003; gnomAD 0.00004; ESP Exome Variant Server 0.00008; 1000 Genomes Project 30x 0.00031.
gnomAD v4.1: 25 of 1,612,204 alleles (0.0016%); highest among the groups gnomAD compares: South Asian, 0.014%; no homozygotes.

Submissions (2):

Ambry Genetics
Classification: Uncertain significance for Inborn genetic diseases. Last evaluated: 2025-08-21. Review status: criteria provided, single submitter. Criteria: Ambry Variant Classification Scheme 2023. Collection method: clinical testing. Allele origin: germline.

Labcorp Genetics (formerly Invitae), Labcorp
Classification: Uncertain significance for Postaxial polydactyly-anterior pituitary anomalies-facial dysmorphism syndrome; Holoprosencephaly 9. Last evaluated: 2024-01-15. Review status: criteria provided, single submitter. Criteria: Invitae Variant Classification Sherloc (09022015). Collection method: clinical testing. Allele origin: germline.
Comment: This sequence change replaces glycine, which is neutral and non-polar, with arginine, which is basic and polar, at codon 652 of the GLI2 protein (p.Gly652Arg). This variant is present in population databases (rs199958307, gnomAD 0.01%). This variant has not been reported in the literature in individuals affected with GLI2-related conditions. An algorithm developed to predict the effect of missense changes on protein structure and function (PolyPhen-2) suggests that this variant is likely to be tolerated. In summary, the available evidence is currently insufficient to determine the role of this variant in disease. Therefore, it has been classified as a Variant of Uncertain Significance.

NM_001374353.1(GLI2):c.1903G>A (p.Gly635Arg)

Gene: GLI2 (GLI family zinc finger 2; plus strand). Cytogenetic location: 2q14.2.
Variant type: single nucleotide variant.
Coding change: c.1903G>A on transcript NM_001374353.1 (MANE Select); coding-DNA position 1903, G replaced by A.
Protein change: p.Gly635Arg; replaces glycine 635 with arginine.
Molecular consequence: missense variant.
Genome position (GRCh38, 1-based): chr2:120,984,741, G>A. VCF-style: chr2-120984741-G-A. GRCh37 (hg19) VCF-style: chr2-121742317-G-A.
Other names: c.1954G>A, p.Gly652Arg (NM_001371271.1, NM_005270.5); c.1528G>A, p.Gly510Arg (NM_001374354.1); c.1954G>A (NM_005270.4); short protein forms G652R, G510R, G635R.
Identifiers: ClinVar variation 2923875 (VCV002923875.4), dbSNP rs199958307, ClinGen allele CA1852055.